The following is an entry in ClinVar:

NM_000051.4(ATM):c.6897C>T (p.Phe2299=)

Genes: ATM (ATM serine/threonine kinase; plus strand), C11orf65 (chromosome 11 open reading frame 65; minus strand). Cytogenetic location: 11q22.3.
Variant type: single nucleotide variant.
Coding change: c.6897C>T on transcript NM_000051.4 (MANE Select); coding-DNA position 6897, C replaced by T.
Protein change: p.Phe2299=; no amino-acid change (phenylalanine 2299 retained).
Molecular consequence: synonymous variant. On other transcripts: intron variant (2).
Genome position (GRCh38, 1-based): chr11:108,326,147, C>T. VCF-style: chr11-108326147-C-T. GRCh37 (hg19) VCF-style: chr11-108196874-C-T.
Other names: c.6897C>T, p.Phe2299= (NM_001351834.2); c.641-17076G>A (NM_001330368.2); c.*38+9073G>A (NM_001351110.2).
Identifiers: ClinVar variation 230580 (VCV000230580.25), dbSNP rs777164914, ClinGen allele CA6266029.

ClinVar aggregate classification (germline): Benign/Likely benign. Review status: criteria provided, multiple submitters, no conflicts (2 of 4 stars). 8 submissions from 8 submitters: Benign (1); Likely benign (7). Last evaluated 2026-02-01.

Conditions:
Hereditary cancer-predisposing syndrome. Also called: Neoplastic Syndromes, Hereditary; Hereditary neoplastic syndrome; Tumor predisposition; Hereditary Cancer Syndrome. Identifiers: Orphanet 140162, MedGen C0027672, MeSH D009386, MONDO:0015356.
Familial cancer of breast. Also called: hereditary breast carcinoma; Hereditary breast cancer; BREAST CANCER, FAMILIAL. Identifiers: Orphanet 227535, MedGen C0346153, MONDO:0016419, OMIM 114480. Disease mechanism: loss of function.
Ataxia-telangiectasia syndrome (AT). Also called: Ataxia telangiectasia (A-T); Cerebello-oculocutaneous telangiectasia; Immunodeficiency with ataxia telangiectasia; LOUIS-BAR SYNDROME; AT, COMPLEMENTATION GROUP C; ATAXIA-TELANGIECTASIA, FRESNO VARIANT. Identifiers: Orphanet 100, MedGen C0004135, MONDO:0008840, OMIM 208900.

Allele frequency attached by ClinVar (database versions not stated): ExAC 0.00002; gnomAD 0.00002; TOPMed 0.00001; gnomAD exomes 0.00002.
gnomAD v4.1: 33 of 1,613,946 alleles (0.002%); highest among the groups gnomAD compares: Non-Finnish European, 0.0027%; no homozygotes.

Submissions (8):

CeGaT Center for Human Genetics Tuebingen
Classification: Likely benign. Last evaluated: 2026-02-01. Review status: criteria provided, single submitter. Criteria: CeGaT Center For Human Genetics Tuebingen Variant Classification Criteria Version 2. Collection method: clinical testing. Allele origin: germline. Affected: yes. Observed: 1 variant allele.
Comment: ATM: BP4, BP7

Labcorp Genetics (formerly Invitae), Labcorp
Classification: Likely benign for Ataxia-telangiectasia syndrome. Last evaluated: 2025-12-11. Review status: criteria provided, single submitter. Criteria: Invitae Variant Classification Sherloc (09022015). Collection method: clinical testing. Allele origin: germline.

Myriad Genetics, Inc.
Classification: Benign for Familial cancer of breast. Last evaluated: 2024-06-12. Review status: criteria provided, single submitter. Criteria: Myriad Autosomal Dominant, Autosomal Recessive and X-Linked Classification Criteria (2023). Collection method: clinical testing. Allele origin: unknown.
Comment: This variant is considered benign. This variant is a silent/synonymous amino acid change and it is not expected to impact splicing.

Department of Pathology and Laboratory Medicine, Sinai Health System
Classification: Likely benign for Familial cancer of breast. Last evaluated: 2024-03-07. Review status: criteria provided, single submitter. Criteria: ACMG Guidelines, 2015. Collection method: clinical testing. Allele origin: germline. Affected: yes.

Women's Health and Genetics/Laboratory Corporation of America, LabCorp
Classification: Likely benign. Last evaluated: 2024-02-08. Review status: criteria provided, single submitter. Criteria: LabCorp Variant Classification Summary - May 2015. Collection method: clinical testing. Allele origin: germline.

Color Diagnostics, LLC DBA Color Health
Classification: Likely benign for Hereditary cancer-predisposing syndrome. Last evaluated: 2019-04-22. Review status: criteria provided, single submitter. Criteria: ACMG Guidelines, 2015. Collection method: clinical testing. Allele origin: germline.

GeneDx
Classification: Likely benign. Last evaluated: 2016-09-21. Review status: criteria provided, single submitter. Criteria: GeneDx Variant Classification (06012015). Collection method: clinical testing. Allele origin: germline. Affected: yes.
Comment: This variant is considered likely benign or benign based on one or more of the following criteria: it is a conservative change, it occurs at a poorly conserved position in the protein, it is predicted to be benign by multiple in silico algorithms, and/or has population frequency not consistent with disease.

Ambry Genetics
Classification: Likely benign for Hereditary cancer-predisposing syndrome. Last evaluated: 2015-02-26. Review status: criteria provided, single submitter. Criteria: Ambry Variant Classification Scheme 2023. Collection method: clinical testing. Allele origin: germline.